The following is an entry in ClinVar:

NM_006231.4(POLE):c.4234_4236del (p.Asn1412del)

Gene: POLE (DNA polymerase epsilon, catalytic subunit; minus strand). Cytogenetic location: 12q24.33.
Variant type: Deletion.
Coding change: c.4234_4236del on transcript NM_006231.4 (MANE Select); coding-DNA positions 4234 to 4236, 3 bases deleted (AAC; older notation c.4234_4236delAAC).
Protein change: p.Asn1412del; deletes asparagine 1412.
Genome position (GRCh38, 1-based): chr12:132,643,891-132,643,893, GTT deleted on the plus strand (AAC on the coding strand, the reverse complement: POLE is on the minus strand); deleting any 3 consecutive bases within chr12:132,643,891-132,643,894 gives the same sequence; the c. name uses the placement nearest the transcript's 3' end. VCF-style (leftmost placement, unchanged base first): chr12-132643890-CGTT-C. GRCh37 (hg19) VCF-style: chr12-133220476-CGTT-C.
Other names: short protein forms N1412del.
Identifiers: ClinVar variation 3935750 (VCV003935750.1).
Genomic context (GRCh38, chr12:132,643,890, plus strand): 5'-GAGTCACCTGAGTCTCATATACGCCCTCGATGTCTGGCGCTGACAGCTCAGCGTTGATCT[CGTT>C]GATGTGTTCCTGGTACATGTCCTCTGGCACTGAATACTCATAGAGATTGTAGACCATGTT-3'

ClinVar aggregate classification (germline): Uncertain significance (1 of 4 stars; one submission).

Conditions:
Hereditary cancer-predisposing syndrome. Also called: Tumor predisposition; Hereditary neoplastic syndrome; Hereditary Cancer Syndrome; Neoplastic Syndromes, Hereditary. Identifiers: Orphanet 140162, MedGen C0027672, MeSH D009386, MONDO:0015356.

Submission:

Ambry Genetics
Classification: Uncertain significance for Hereditary cancer-predisposing syndrome. Last evaluated: 2025-05-22. Review status: criteria provided, single submitter. Criteria: Ambry Variant Classification Scheme 2023. Collection method: clinical testing. Allele origin: germline.
Comment: The c.4234_4236delAAC variant (also known as p.N1412del) is located in coding exon 33 of the POLE gene. This variant results from an in-frame AAC deletion at nucleotide positions 4234 to 4236. This results in the in-frame deletion of an asparagine at codon 1412. This amino acid position is highly conserved in available vertebrate species. In addition, this variant is predicted to be deleterious by in silico analysis (Choi Y et al. PLoS ONE. 2012; 7(10):e46688). Based on the available evidence, the clinical significance of this variant remains unclear. Based on the available evidence, the clinical significance of this variant remains unclear.